The following is an entry in ClinVar:

NM_001805.4(CEBPE):c.166G>A (p.Asp56Asn)

Gene: CEBPE (CCAAT enhancer binding protein epsilon; minus strand). Cytogenetic location: 14q11.2.
Variant type: single nucleotide variant.
Coding change: c.166G>A on transcript NM_001805.4 (MANE Select); coding-DNA position 166, G replaced by A.
Protein change: p.Asp56Asn; replaces aspartic acid 56 with asparagine.
Molecular consequence: missense variant.
Genome position (GRCh38, 1-based): chr14:23,118,926, C>T on the plus strand (G>A on the coding strand, the complement: CEBPE is on the minus strand). VCF-style: chr14-23118926-C-T. GRCh37 (hg19) VCF-style: chr14-23588135-C-T.
Other names: short protein forms D56N.
Identifiers: ClinVar variation 962483 (VCV000962483.8), dbSNP rs371734898, ClinGen allele CA7111278.
Genomic context (GRCh38, chr14:23,118,926, plus strand): 5'-CAGGGGTTCCGGGGCCCTTGAGGCCTCTGGCCTCAGGCGCTGGCTTCACGGCAAAGAGAT[C>T]GGAGAGAAGCTGCTCTTCCCCAGACTCGATGTAGGCGGAGAGGTCAATGGAGGCCTCATG-3'
Protein context (NP_001796.2, residues 46-66): IESGEEQLLS[Asp56Asn]LFAVKPAPEA

ClinVar aggregate classification (germline): Uncertain significance. Review status: criteria provided, multiple submitters, no conflicts (2 of 4 stars). 2 submissions from 2 submitters: Uncertain significance (2). Last evaluated 2022-07-30.

Conditions:
Specific granule deficiency. Identifiers: Orphanet 169142, MedGen C0398593, MONDO:0009506.

Allele frequency attached by ClinVar (database versions not stated): gnomAD exomes 0.00003 and 0.00005; ExAC 0.00004; gnomAD 0.00005 and 0.00006; TOPMed 0.00005; ESP Exome Variant Server 0.00008.

Submissions (2):

Labcorp Genetics (formerly Invitae), Labcorp
Classification: Uncertain significance for Specific granule deficiency. Last evaluated: 2022-07-30. Review status: criteria provided, single submitter. Criteria: Invitae Variant Classification Sherloc (09022015). Collection method: clinical testing. Allele origin: germline.
Comment: This sequence change replaces aspartic acid, which is acidic and polar, with asparagine, which is neutral and polar, at codon 56 of the CEBPE protein (p.Asp56Asn). This variant is present in population databases (rs371734898, gnomAD 0.006%). This variant has not been reported in the literature in individuals affected with CEBPE-related conditions. ClinVar contains an entry for this variant (Variation ID: 962483). Algorithms developed to predict the effect of missense changes on protein structure and function are either unavailable or do not agree on the potential impact of this missense change (SIFT: "Tolerated"; PolyPhen-2: "Probably Damaging"; Align-GVGD: "Class C0"). In summary, the available evidence is currently insufficient to determine the role of this variant in disease. Therefore, it has been classified as a Variant of Uncertain Significance.

Blueprint Genetics
Classification: Uncertain significance. Last evaluated: 2021-11-15. Review status: criteria provided, single submitter. Criteria: ACMG Guidelines, 2015. Collection method: clinical testing. Allele origin: germline.